The following is an entry in ClinVar:

NM_006946.4(SPTBN2):c.6034+1G>A

Gene: SPTBN2 (spectrin beta, non-erythrocytic 2; minus strand). Cytogenetic location: 11q13.2.
Variant type: single nucleotide variant.
Coding change: c.6034+1G>A on transcript NM_006946.4 (MANE Select); the canonical splice donor site of the intron after coding-DNA position 6034, G replaced by A.
Molecular consequence: splice donor variant.
Genome position (GRCh38, 1-based): chr11:66,689,095, C>T on the plus strand (G>A on the coding strand, the complement: SPTBN2 is on the minus strand). VCF-style: chr11-66689095-C-T. GRCh37 (hg19) VCF-style: chr11-66456566-C-T.
Other names: c.6055+1G>A (NM_001411025.1).
Identifiers: ClinVar variation 3392612 (VCV003392612.2).

ClinVar aggregate classification (germline): Pathogenic (1 of 4 stars; one submission).

gnomAD v4.1: 1 of 1,606,018 alleles (0.000062%); highest among the groups gnomAD compares: Non-Finnish European, 0.000085%; no homozygotes.

Submission:

GeneDx
Classification: Pathogenic. Last evaluated: 2026-10-23. Review status: criteria provided, single submitter. Criteria: GeneDx Variant Classification Process June 2021. Collection method: clinical testing. Allele origin: germline.
Comment: Canonical splice site variant predicted to result in a null allele in a gene for which loss of function is a known mechanism of disease; Not observed at significant frequency in large population cohorts (gnomAD); Has not been previously published as pathogenic or benign to our knowledge